The following is an entry in ClinVar:

NM_001099922.3(ALG13):c.2529+3A>G

Gene: ALG13 (ALG13 UDP-N-acetylglucosaminyltransferase subunit; plus strand). Cytogenetic location: Xq23.
Variant type: single nucleotide variant.
Coding change: c.2529+3A>G on transcript NM_001099922.3 (MANE Select); 3 bases into the intron after coding-DNA position 2529, A replaced by G.
Molecular consequence: intron variant.
Genome position (GRCh38, 1-based): chrX:111,735,125, A>G. VCF-style: chrX-111735125-A-G. GRCh37 (hg19) VCF-style: chrX-110978353-A-G.
Other names: c.2217+3A>G (NM_001257237.2, NM_001257234.2, NM_001257230.2); c.2043+3A>G (NM_001324293.1); c.2295+3A>G (NM_001257231.2); c.2529+3A>G (NM_001324292.2).
Identifiers: ClinVar variation 1363075 (VCV001363075.6), dbSNP rs1943111596, ClinGen allele CA1136343002.

ClinVar aggregate classification (germline): Uncertain significance (1 of 4 stars; one submission).

Conditions:
Developmental and epileptic encephalopathy, 36 (DEE36). Also called: Congenital disorder of glycosylation, type Is; ALG13-CDG; Epileptic encephalopathy, early infantile, 36. Identifiers: Orphanet 324422, MedGen C4317295, MONDO:0010472, OMIM 300884.

Allele frequency attached by ClinVar (database versions not stated): gnomAD exomes below 0.00001; TOPMed 0.00001; gnomAD 0.00002.
gnomAD v4.1: 5 of 1,141,593 alleles (0.00044%); highest among the groups gnomAD compares: Non-Finnish European, 0.00048%; no homozygotes.

Submission:

Labcorp Genetics (formerly Invitae), Labcorp
Classification: Uncertain significance for Developmental and epileptic encephalopathy, 36. Last evaluated: 2022-05-09. Review status: criteria provided, single submitter. Criteria: Invitae Variant Classification Sherloc (09022015). Collection method: clinical testing. Allele origin: germline.
Comment: This sequence change falls in intron 22 of the ALG13 gene. It does not directly change the encoded amino acid sequence of the ALG13 protein. It affects a nucleotide within the consensus splice site. This variant is not present in population databases (gnomAD no frequency). This variant has not been reported in the literature in individuals affected with ALG13-related conditions. Variants that disrupt the consensus splice site are a relatively common cause of aberrant splicing (PMID: 17576681, 9536098). Algorithms developed to predict the effect of sequence changes on RNA splicing suggest that this variant may disrupt the consensus splice site. In summary, the available evidence is currently insufficient to determine the role of this variant in disease. Therefore, it has been classified as a Variant of Uncertain Significance.

Literature cited by the submitters: PubMed 17576681; PubMed 9536098.